The following is an entry in ClinVar:

NM_001127222.2(CACNA1A):c.2740G>A (p.Gly914Arg)

Gene: CACNA1A (calcium voltage-gated channel subunit alpha1 A; minus strand). Cytogenetic location: 19p13.13.
Variant type: single nucleotide variant.
Coding change: c.2740G>A on transcript NM_001127222.2 (MANE Select); coding-DNA position 2740, G replaced by A.
Protein change: p.Gly914Arg; replaces glycine 914 with arginine.
Molecular consequence: missense variant.
Genome position (GRCh38, 1-based): chr19:13,298,893, C>T on the plus strand (G>A on the coding strand, the complement: CACNA1A is on the minus strand). VCF-style: chr19-13298893-C-T. GRCh37 (hg19) VCF-style: chr19-13409707-C-T.
Other names: c.2752G>A, p.Gly918Arg (NM_000068.4, NM_023035.3); c.2743G>A, p.Gly915Arg (NM_001127221.2, NM_001174080.2); short protein forms G914R, G915R, G918R.
Identifiers: ClinVar variation 4975096 (VCV004975096.1).

ClinVar aggregate classification (germline): Uncertain significance (1 of 4 stars; one submission).

gnomAD v4.1: 1 of 1,594,408 alleles (0.000063%); highest among the groups gnomAD compares: Non-Finnish European, 0.000085%; no homozygotes.

Submission:

GeneDx
Classification: Uncertain significance. Last evaluated: 2026-02-18. Review status: criteria provided, single submitter. Criteria: GeneDx Variant Classification Process June 2021. Collection method: clinical testing. Allele origin: germline.
Comment: Not observed at significant frequency in large population cohorts (gnomAD); In silico analysis suggests that this missense variant does not alter protein structure/function; Has not been previously published as pathogenic or benign to our knowledge